The following is an entry in ClinVar:

ClinVar aggregate classification (germline): Pathogenic. Review status: criteria provided, multiple submitters, no conflicts (2 of 4 stars). 4 submissions from 4 submitters: Pathogenic (2). 2 of the submissions do not count toward it. Last evaluated 2024-09-05.

Conditions:
Hereditary cancer-predisposing syndrome. Also called: Hereditary Cancer Syndrome; Neoplastic Syndromes, Hereditary; Hereditary neoplastic syndrome; Tumor predisposition. Identifiers: Orphanet 140162, MedGen C0027672, MeSH D009386, MONDO:0015356.
Familial cancer of breast. Also called: BREAST CANCER, FAMILIAL; Hereditary breast cancer; hereditary breast carcinoma. Identifiers: Orphanet 227535, MedGen C0346153, MONDO:0016419, OMIM 114480. Disease mechanism: loss of function.

Submissions (4):

Color Diagnostics, LLC DBA Color Health
Classification: Pathogenic for Hereditary cancer-predisposing syndrome. Last evaluated: 2024-09-05. Review status: criteria provided, single submitter. Criteria: ACMG Guidelines, 2015. Collection method: clinical testing. Allele origin: germline.
Comment: This variant deletes 2 nucleotides in exon 8 of the PALB2 gene, creating a frameshift and premature translation stop signal. This variant is expected to result in an absent or non-functional protein product. This variant has been reported in one suspected hereditary breast and ovarian cancer family (PMID: 25099575). This variant has not been identified in the general population by the Genome Aggregation Database (gnomAD). Loss of PALB2 function is a known mechanism of disease. Based on the available evidence, this variant is classified as Pathogenic.

Labcorp Genetics (formerly Invitae), Labcorp
Classification: Pathogenic for Familial cancer of breast. Last evaluated: 2024-04-05. Review status: criteria provided, single submitter. Criteria: Invitae Variant Classification Sherloc (09022015). Collection method: clinical testing. Allele origin: germline.
Comment: This sequence change creates a premature translational stop signal (p.Tyr929*) in the PALB2 gene. It is expected to result in an absent or disrupted protein product. Loss-of-function variants in PALB2 are known to be pathogenic (PMID: 17200668, 17200671, 17200672, 24136930, 25099575). This variant is not present in population databases (gnomAD no frequency). This premature translational stop signal has been observed in individual(s) with breast cancer (PMID: 24556926). ClinVar contains an entry for this variant (Variation ID: 143967). For these reasons, this variant has been classified as Pathogenic.

Leiden Open Variation Database
Classification: Pathogenic for Familial cancer of breast. Last evaluated: 2019-05-13. Review status: no assertion criteria provided. Collection method: curation. Allele origin: germline. Affected: yes. Not counted in ClinVar's aggregate classification.
Comment: Curators: Marc Tischkowitz, Arleen D. Auerbach. Submitter to LOVD: Marc Tischkowitz.

SNPedia
Classification: Pathogenic. Review status: no assertion criteria provided. Collection method: not provided. Allele origin: germline. Not counted in ClinVar's aggregate classification.
ClinVar note: Converted during submission from pathogenic to Pathogenic.

Literature cited by the submitters: PubMed 25099575 (cited by 3 submitters); PubMed 17200668 (cited by Labcorp Genetics (formerly Invitae), Labcorp); PubMed 17200671 (cited by Labcorp Genetics (formerly Invitae), Labcorp); PubMed 17200672 (cited by Labcorp Genetics (formerly Invitae), Labcorp); PubMed 24136930 (cited by Labcorp Genetics (formerly Invitae), Labcorp); PubMed 24556926 (cited by Labcorp Genetics (formerly Invitae), Labcorp and Leiden Open Variation Database).

NM_024675.4(PALB2):c.2787_2788del (p.Tyr929_Asn930delinsTer)

Gene: PALB2 (partner and localizer of BRCA2; minus strand). Cytogenetic location: 16p12.2.
Variant type: Microsatellite.
Coding change: c.2787_2788del on transcript NM_024675.4 (MANE Select); coding-DNA positions 2787 to 2788, 2 bases deleted (TA; older notation c.2787_2788delTA).
Protein change: p.Tyr929_Asn930delinsTer.
Molecular consequence: nonsense.
Genome position (GRCh38, 1-based): chr16:23,624,055-23,624,056, TA deleted on the plus strand (TA on the coding strand, the reverse complement: PALB2 is on the minus strand); deleting any 2 consecutive bases within chr16:23,624,055-23,624,058 gives the same sequence; the c. name uses the placement nearest the transcript's 3' end. VCF-style (leftmost placement, unchanged base first): chr16-23624054-TTA-T. GRCh37 (hg19) VCF-style: chr16-23635375-TTA-T.
Other names: c.2787_2788del (NM_024675.3).
Identifiers: ClinVar variation 143967 (VCV000143967.8), dbSNP rs587776418, ClinGen allele CA294559.
Genomic context (GRCh38, chr16:23,624,054, plus strand): 5'-TTGGGAATTACATACCTGATCTCTCTGATTTCCAAATTTCCCAAAGCTACACACACGAGA[TTA>T]TACACATCAGGCACTGGAACTATCTGTAATACTGGAACCTAAATAAAACAAAGCAGCCAA-3'